The following is an entry in ClinVar:

ClinVar aggregate classification (germline): Uncertain significance (1 of 4 stars; one submission).

Submission:

GeneDx
Classification: Uncertain significance. Last evaluated: 2026-03-23. Review status: criteria provided, single submitter. Criteria: GeneDx Variant Classification Process June 2021. Collection method: clinical testing. Allele origin: germline.
Comment: Not observed at significant frequency in large population cohorts (gnomAD); In silico analysis supports that this missense variant has a deleterious effect on protein structure/function; Has not been previously published as pathogenic or benign to our knowledge

NM_000199.5(SGSH):c.193A>C (p.Thr65Pro)

Gene: SGSH (N-sulfoglucosamine sulfohydrolase; minus strand). Cytogenetic location: 17q25.3.
Variant type: single nucleotide variant.
Coding change: c.193A>C on transcript NM_000199.5 (MANE Select); coding-DNA position 193, A replaced by C.
Protein change: p.Thr65Pro; replaces threonine 65 with proline.
Molecular consequence: missense variant. On other transcripts: non-coding transcript variant (1).
Genome position (GRCh38, 1-based): chr17:80,217,088, T>G on the plus strand (A>C on the coding strand, the complement: SGSH is on the minus strand). VCF-style: chr17-80217088-T-G. GRCh37 (hg19) VCF-style: chr17-78190887-T-G.
Other names: c.193A>C, p.Thr65Pro (NM_001352922.2, NM_001352921.3); short protein forms T65P.
Identifiers: ClinVar variation 5016941 (VCV005016941.1).